The following is an entry in ClinVar:

ClinVar aggregate classification (germline): Conflicting classifications of pathogenicity. Review status: criteria provided, conflicting classifications (1 of 4 stars). 2 submissions from 2 submitters: Uncertain significance (1); Likely benign (1). Last evaluated 2026-03-01.

Allele frequency attached by ClinVar (database versions not stated): ExAC 0.00001; gnomAD 0.00001; gnomAD exomes 0.00001; 1000 Genomes Project 30x 0.00016.
gnomAD v4.1: 14 of 1,609,550 alleles (0.00087%); highest among the groups gnomAD compares: African/African-American, 0.0013%; no homozygotes.

Submissions (2):

CeGaT Center for Human Genetics Tuebingen
Classification: Likely benign. Last evaluated: 2026-03-01. Review status: criteria provided, single submitter. Criteria: CeGaT Center For Human Genetics Tuebingen Variant Classification Criteria Version 2. Collection method: clinical testing. Allele origin: germline. Affected: yes. Observed: 1 variant allele.
Comment: CASZ1: BP4

Ambry Genetics
Classification: Uncertain significance. Last evaluated: 2023-11-09. Review status: criteria provided, single submitter. Criteria: Ambry Variant Classification Scheme 2023. Collection method: clinical testing. Allele origin: germline.

NM_001079843.3(CASZ1):c.2933C>T (p.Ala978Val)

Gene: CASZ1 (castor zinc finger 1; minus strand). Cytogenetic location: 1p36.22.
Variant type: single nucleotide variant.
Coding change: c.2933C>T on transcript NM_001079843.3 (MANE Select); coding-DNA position 2933, C replaced by T.
Protein change: p.Ala978Val; replaces alanine 978 with valine.
Molecular consequence: missense variant.
Genome position (GRCh38, 1-based): chr1:10,649,385, G>A on the plus strand (C>T on the coding strand, the complement: CASZ1 is on the minus strand). VCF-style: chr1-10649385-G-A. GRCh37 (hg19) VCF-style: chr1-10709442-G-A.
Other names: c.2933C>T, p.Ala978Val (NM_017766.5); short protein forms A978V.
Identifiers: ClinVar variation 3137720 (VCV003137720.5), dbSNP rs754140708, ClinGen allele CA584663.